The following is an entry in ClinVar:

ClinVar aggregate classification (germline): Uncertain significance (1 of 4 stars; one submission).

gnomAD v4.1: 16 of 1,535,506 alleles (0.001%); highest among the groups gnomAD compares: East Asian, 0.0025%; no homozygotes.

Submission:

Labcorp Genetics (formerly Invitae), Labcorp
Classification: Uncertain significance. Last evaluated: 2025-01-01. Review status: criteria provided, single submitter. Criteria: Invitae Variant Classification Sherloc (09022015). Collection method: clinical testing. Allele origin: germline.
Comment: This sequence change replaces valine, which is neutral and non-polar, with isoleucine, which is neutral and non-polar, at codon 1435 of the OTOG protein (p.Val1435Ile). The frequency data for this variant in the population databases is considered unreliable, as metrics indicate poor data quality at this position in the gnomAD database. This variant has not been reported in the literature in individuals affected with OTOG-related conditions. An algorithm developed to predict the effect of missense changes on protein structure and function (PolyPhen-2) suggests that this variant is likely to be tolerated. In summary, the available evidence is currently insufficient to determine the role of this variant in disease. Therefore, it has been classified as a Variant of Uncertain Significance.

NM_001292063.2(OTOG):c.4267G>A (p.Val1423Ile)

Gene: OTOG (otogelin; plus strand). Cytogenetic location: 11p15.1.
Variant type: single nucleotide variant.
Coding change: c.4267G>A on transcript NM_001292063.2 (MANE Select); coding-DNA position 4267, G replaced by A.
Protein change: p.Val1423Ile; replaces valine 1423 with isoleucine.
Molecular consequence: missense variant.
Genome position (GRCh38, 1-based): chr11:17,608,406, G>A. VCF-style: chr11-17608406-G-A. GRCh37 (hg19) VCF-style: chr11-17629953-G-A.
Other names: c.4303G>A, p.Val1435Ile (NM_001277269.2); short protein forms V1423I, V1435I.
Identifiers: ClinVar variation 3620392 (VCV003620392.2).
Genomic context (GRCh38, chr11:17,608,406, plus strand): 5'-GCCTGTGCCAGCCCCTGCTTCCAAACCTGCCGGGACCCACGGGCAGCCAGCTGCCGGGAC[G>A]TACCCAGGTGAGATGCCAGGGGCTGTGGGCATGGAGCCAAGGTGTGTGCACTAGTGTGTG-3'
Protein context (NP_001278992.1, residues 1413-1433): RDPRAASCRD[Val1423Ile]PRVEGCVPVC